The following is an entry in ClinVar:

NM_004655.4(AXIN2):c.2463C>G (p.Ile821Met)

Gene: AXIN2 (axin 2; minus strand). Cytogenetic location: 17q24.1.
Variant type: single nucleotide variant.
Coding change: c.2463C>G on transcript NM_004655.4 (MANE Select); coding-DNA position 2463, C replaced by G.
Protein change: p.Ile821Met; replaces isoleucine 821 with methionine.
Molecular consequence: missense variant.
Genome position (GRCh38, 1-based): chr17:65,530,045, G>C on the plus strand (C>G on the coding strand, the complement: AXIN2 is on the minus strand). VCF-style: chr17-65530045-G-C. GRCh37 (hg19) VCF-style: chr17-63526163-G-C.
Other names: c.2268C>G, p.Ile756Met (NM_001363813.1); short protein forms I756M, I821M.
Identifiers: ClinVar variation 3814515 (VCV003814515.1).

ClinVar aggregate classification (germline): Uncertain significance (1 of 4 stars; one submission).

Conditions:
Hereditary cancer-predisposing syndrome. Also called: Hereditary neoplastic syndrome; Neoplastic Syndromes, Hereditary; Tumor predisposition; Hereditary Cancer Syndrome. Identifiers: Orphanet 140162, MedGen C0027672, MeSH D009386, MONDO:0015356.

Submission:

Ambry Genetics
Classification: Uncertain significance for Hereditary cancer-predisposing syndrome. Last evaluated: 2025-02-02. Review status: criteria provided, single submitter. Criteria: Ambry Variant Classification Scheme 2023. Collection method: clinical testing. Allele origin: germline.
Comment: The p.I821M variant (also known as c.2463C>G), located in coding exon 10 of the AXIN2 gene, results from a C to G substitution at nucleotide position 2463. The isoleucine at codon 821 is replaced by methionine, an amino acid with highly similar properties. This amino acid position is conserved. In addition, this alteration is predicted to be tolerated by in silico analysis. Based on the available evidence, the clinical significance of this variant remains unclear.